The following is an entry in ClinVar:

NM_007294.4(BRCA1):c.4579G>A (p.Glu1527Lys)

Gene: BRCA1 (BRCA1 DNA repair associated; minus strand). Cytogenetic location: 17q21.31.
Variant type: single nucleotide variant.
Coding change: c.4579G>A on transcript NM_007294.4 (MANE Select); coding-DNA position 4579, G replaced by A.
Protein change: p.Glu1527Lys; replaces glutamic acid 1527 with lysine.
Molecular consequence: missense variant. On other transcripts: non-coding transcript variant (1).
Genome position (GRCh38, 1-based): chr17:43,074,427, C>T on the plus strand (G>A on the coding strand, the complement: BRCA1 is on the minus strand). VCF-style: chr17-43074427-C-T. GRCh37 (hg19) VCF-style: chr17-41226444-C-T.
Other names: c.4453G>A, p.Glu1485Lys (NM_001407670.1, NM_001407671.1, NM_001407672.1 and 11 more transcripts); c.4450G>A, p.Glu1484Lys (NM_001407686.1, NM_001407687.1, NM_001407688.1 and 6 more transcripts); c.4447G>A, p.Glu1483Lys (NM_001407690.1, NM_001407691.1); c.4438G>A, p.Glu1480Lys (NM_001407692.1, NM_001407694.1, NM_001407695.1 and 13 more transcripts); c.4435G>A, p.Glu1479Lys (NM_001407732.1, NM_001407733.1, NM_001407734.1 and 21 more transcripts); c.4432G>A, p.Glu1478Lys (NM_001407838.1, NM_001407839.1, NM_001407841.1 and 12 more transcripts); c.4576G>A, p.Glu1526Lys (NM_001407858.1, NM_001407859.1, NM_001407860.1 and 17 more transcripts); c.4573G>A, p.Glu1525Lys (NM_001407861.1, NM_001407627.1, NM_001407628.1 and 14 more transcripts); and 68 more; short protein forms E1527K, E423K, E1548K, E1480K, E1230K, E1400K, E1415K, E1437K.
Identifiers: ClinVar variation 55231 (VCV000055231.7), dbSNP rs80357237, ClinGen allele CA002912.

ClinVar aggregate classification (germline): Uncertain significance. Review status: criteria provided, multiple submitters, no conflicts (2 of 4 stars). 3 submissions from 3 submitters: Uncertain significance (2). 1 of the submissions does not count toward it. Last evaluated 2023-12-02.

Conditions:
Breast-ovarian cancer, familial, susceptibility to, 1 (BROVCA1). Also called: BRCA1 Hereditary Breast and Ovarian Cancer; OVARIAN CANCER, SUSCEPTIBILITY TO. Identifiers: Orphanet 145, MedGen C2676676, MONDO:0011450, OMIM 604370. Disease mechanism: loss of function.
Hereditary breast ovarian cancer syndrome. Also called: BRCA1- and BRCA2-Associated Hereditary Breast and Ovarian Cancer; Hereditary breast and ovarian cancer syndrome; Hereditary breast and ovarian cancer syndrome (HBOC); Breast and ovarian cancer; Hereditary breast and/or ovarian cancer syndrome; Hereditary breast and ovarian cancer. Identifiers: Orphanet 145, MedGen C0677776, MeSH D061325, MONDO:0003582. Disease mechanism: loss of function.

Submissions (3):

Baylor Genetics
Classification: Uncertain significance for Breast-ovarian cancer, familial, susceptibility to, 1. Last evaluated: 2023-12-02. Review status: criteria provided, single submitter. Criteria: ACMG Guidelines, 2015. Collection method: clinical testing. Allele origin: unknown.

Labcorp Genetics (formerly Invitae), Labcorp
Classification: Uncertain significance for Hereditary breast ovarian cancer syndrome. Last evaluated: 2023-05-12. Review status: criteria provided, single submitter. Criteria: Invitae Variant Classification Sherloc (09022015). Collection method: clinical testing. Allele origin: germline.
Comment: In summary, the available evidence is currently insufficient to determine the role of this variant in disease. Therefore, it has been classified as a Variant of Uncertain Significance. This variant has not been reported in the literature in individuals affected with BRCA1-related conditions. This variant is not present in population databases (gnomAD no frequency). This sequence change replaces glutamic acid, which is acidic and polar, with lysine, which is basic and polar, at codon 1527 of the BRCA1 protein (p.Glu1527Lys). ClinVar contains an entry for this variant (Variation ID: 55231). Advanced modeling of protein sequence and biophysical properties (such as structural, functional, and spatial information, amino acid conservation, physicochemical variation, residue mobility, and thermodynamic stability) performed at Invitae indicates that this missense variant is not expected to disrupt BRCA1 protein function.

Breast Cancer Information Core (BIC) (BRCA1)
Classification: Uncertain significance for Breast-ovarian cancer, familial 1. Last evaluated: 2004-11-25. Review status: no assertion criteria provided. Collection method: clinical testing. Allele origin: germline. Affected: yes. Observed: 1 variant allele. Not counted in ClinVar's aggregate classification.